The following is an entry in ClinVar:

NM_001005242.3(PKP2):c.1557-3T>C

Gene: PKP2 (plakophilin 2; minus strand). Cytogenetic location: 12p11.21.
Variant type: single nucleotide variant.
Coding change: c.1557-3T>C on transcript NM_001005242.3 (MANE Select); 3 bases into the intron before coding-DNA position 1557, T replaced by C.
Molecular consequence: intron variant.
Genome position (GRCh38, 1-based): chr12:32,824,165, A>G on the plus strand (T>C on the coding strand, the complement: PKP2 is on the minus strand). VCF-style: chr12-32824165-A-G. GRCh37 (hg19) VCF-style: chr12-32977099-A-G.
Other names: c.1557-3T>C (NM_001407156.1, NM_001407155.1, NM_001407161.1); c.1689-3T>C (NM_004572.4, NM_001407157.1); c.1230-3T>C (NM_001407160.1, NM_001407159.1, NM_001407158.1 and 1 more transcripts).
Identifiers: ClinVar variation 3689877 (VCV003689877.3).
Genomic context (GRCh38, chr12:32,824,165, plus strand): 5'-GAGTCCGTCACATCTTCTCATCGCTTTTCTCCCATCAGCGCCAGCAGAACTCATGTTTCT[A>G]TCAGAAAAAACAAAAAACAAAAAAGTAAGTCTAGGCTGTGTATCCAACAGGTCTTTGTTT-3'

ClinVar aggregate classification (germline): Conflicting classifications of pathogenicity. Review status: criteria provided, conflicting classifications (1 of 4 stars). 2 submissions from 2 submitters: Uncertain significance (1); Likely benign (1). Last evaluated 2025-11-24.

Conditions:
Arrhythmogenic right ventricular dysplasia 9 (ARVD9). Also called: Arrhythmogenic Right Ventricular Dysplasia/Cardiomyopathy 9; ARRHYTHMOGENIC RIGHT VENTRICULAR DYSPLASIA, FAMILIAL, 9. Identifiers: MedGen C1836906, MONDO:0012180, OMIM 609040.
Cardiomyopathy (CMYO). Also called: Cardiomyopathies. Identifiers: Orphanet 167848, MedGen C0878544, MONDO:0004994, HP:0001638. Inheritance: Various modes of inheritance.

gnomAD v4.1: 8 of 1,603,526 alleles (0.0005%); highest among the groups gnomAD compares: Non-Finnish European, 0.00068%; no homozygotes.

Submissions (2):

Color Diagnostics, LLC DBA Color Health
Classification: Likely benign for Cardiomyopathy. Last evaluated: 2025-11-24. Review status: criteria provided, single submitter. Criteria: ACMG Guidelines, 2015. Collection method: clinical testing. Allele origin: germline.

Labcorp Genetics (formerly Invitae), Labcorp
Classification: Uncertain significance for Arrhythmogenic right ventricular dysplasia 9. Last evaluated: 2024-07-06. Review status: criteria provided, single submitter. Criteria: Invitae Variant Classification Sherloc (09022015). Collection method: clinical testing. Allele origin: germline.
Comment: This sequence change falls in intron 7 of the PKP2 gene. It does not directly change the encoded amino acid sequence of the PKP2 protein. It affects a nucleotide within the consensus splice site. This variant is not present in population databases (gnomAD no frequency). This variant has not been reported in the literature in individuals affected with PKP2-related conditions. Variants that disrupt the consensus splice site are a relatively common cause of aberrant splicing (PMID: 17576681, 9536098). Algorithms developed to predict the effect of sequence changes on RNA splicing suggest that this variant is not likely to affect RNA splicing. In summary, the available evidence is currently insufficient to determine the role of this variant in disease. Therefore, it has been classified as a Variant of Uncertain Significance.

Literature cited by the submitters: PubMed 17576681 (cited by Labcorp Genetics (formerly Invitae), Labcorp); PubMed 9536098 (cited by Labcorp Genetics (formerly Invitae), Labcorp).